The following is an entry in ClinVar:

NM_001378969.1(KCND3):c.626C>G (p.Thr209Arg)

Gene: KCND3 (potassium voltage-gated channel subfamily D member 3; minus strand). Cytogenetic location: 1p13.2.
Variant type: single nucleotide variant.
Coding change: c.626C>G on transcript NM_001378969.1 (MANE Select); coding-DNA position 626, C replaced by G.
Protein change: p.Thr209Arg; replaces threonine 209 with arginine.
Molecular consequence: missense variant.
Genome position (GRCh38, 1-based): chr1:111,982,101, G>C on the plus strand (C>G on the coding strand, the complement: KCND3 is on the minus strand). VCF-style: chr1-111982101-G-C. GRCh37 (hg19) VCF-style: chr1-112524723-G-C.
Other names: c.626C>G, p.Thr209Arg (NM_001378970.1, NM_004980.5, NM_172198.3); short protein forms T209R.
Identifiers: ClinVar variation 3704742 (VCV003704742.2).
Genomic context (GRCh38, chr1:111,982,101, plus strand): 5'-AGGCAGAAGAAGGCCACCGAGTAGCGCTCCCCGCACGGCAGCTCCTTGCTGCCCGGGACC[G>C]TGCCGCACGGCACCGTCTCCACCACGTTGGTGATGACCGAGACAGCGATGAAGAAGCCAG-3'
Protein context (NP_001365898.1, residues 199-219): TNVVETVPCG[Thr209Arg]VPGSKELPCG

ClinVar aggregate classification (germline): Uncertain significance (1 of 4 stars; one submission).

Conditions:
Spinocerebellar ataxia type 19/22 (SCA19). Also called: SPINOCEREBELLAR ATAXIA 19; SPINOCEREBELLAR ATAXIA 22. Identifiers: Orphanet 98772, MedGen C1846367, MONDO:0011819, OMIM 607346.

Submission:

Labcorp Genetics (formerly Invitae), Labcorp
Classification: Uncertain significance for Spinocerebellar ataxia type 19/22. Last evaluated: 2024-02-10. Review status: criteria provided, single submitter. Criteria: Invitae Variant Classification Sherloc (09022015). Collection method: clinical testing. Allele origin: germline.
Comment: This sequence change replaces threonine, which is neutral and polar, with arginine, which is basic and polar, at codon 209 of the KCND3 protein (p.Thr209Arg). This variant is not present in population databases (gnomAD no frequency). This variant has not been reported in the literature in individuals affected with KCND3-related conditions. Advanced modeling of protein sequence and biophysical properties (such as structural, functional, and spatial information, amino acid conservation, physicochemical variation, residue mobility, and thermodynamic stability) performed at Invitae indicates that this missense variant is not expected to disrupt KCND3 protein function with a negative predictive value of 80%. In summary, the available evidence is currently insufficient to determine the role of this variant in disease. Therefore, it has been classified as a Variant of Uncertain Significance.